The following is an entry in ClinVar:

NM_022168.4(IFIH1):c.1483G>C (p.Gly495Arg)

Gene: IFIH1 (interferon induced with helicase C domain 1; minus strand). Cytogenetic location: 2q24.2.
Variant type: single nucleotide variant.
Coding change: c.1483G>C on transcript NM_022168.4 (MANE Select); coding-DNA position 1483, G replaced by C.
Protein change: p.Gly495Arg; replaces glycine 495 with arginine.
Molecular consequence: missense variant.
Genome position (GRCh38, 1-based): chr2:162,281,369, C>G on the plus strand (G>C on the coding strand, the complement: IFIH1 is on the minus strand). VCF-style: chr2-162281369-C-G. GRCh37 (hg19) VCF-style: chr2-163137879-C-G.
Other names: short protein forms G495R.
Identifiers: ClinVar variation 2036002 (VCV002036002.4), dbSNP rs672601336, ClinGen allele CA349002100.

ClinVar aggregate classification (germline): Uncertain significance (1 of 4 stars; one submission).

Conditions:
Singleton-Merten syndrome 1 (SGMRT1). Also called: Widened medullary cavities of bone, aortic calcification, abnormal dentition, and muscular weakness; Syndrome of widened medullary cavities of the metacarpals and phalanges, aortic calcification and abnormal dentition. Identifiers: Orphanet 85191, MedGen C4225427, MONDO:0024535, OMIM 182250.
Aicardi-Goutieres syndrome 7 (AGS7). Identifiers: Orphanet 51, MedGen C3888244, MONDO:0014367, OMIM 615846.

Submission:

Labcorp Genetics (formerly Invitae), Labcorp
Classification: Uncertain significance for Aicardi-Goutieres syndrome 7; Singleton-Merten syndrome 1. Last evaluated: 2022-10-18. Review status: criteria provided, single submitter. Criteria: Invitae Variant Classification Sherloc (09022015). Collection method: clinical testing. Allele origin: germline.
Comment: This missense change has been observed in individual(s) with clinical features of Aicardi-Goutieres syndrome (PMID: 24686847). In summary, the available evidence is currently insufficient to determine the role of this variant in disease. Therefore, it has been classified as a Variant of Uncertain Significance. Experimental studies have shown that this missense change affects IFIH1 function (PMID: 24686847). Advanced modeling performed at Invitae incorporating data from internal and/or published experimental studies (Invitae) did not meet the statistical confidence thresholds required to predict the impact of this variant on IFIH1 function. This variant is not present in population databases (gnomAD no frequency). This sequence change replaces glycine, which is neutral and non-polar, with arginine, which is basic and polar, at codon 495 of the IFIH1 protein (p.Gly495Arg).

Literature cited by the submitters: PubMed 24686847.